The following is an entry in ClinVar:

ClinVar aggregate classification (germline): Uncertain significance (1 of 4 stars; one submission).

Allele frequency attached by ClinVar (database versions not stated): gnomAD exomes below 0.00001.
gnomAD v4.1: 1 of 1,612,030 alleles (0.000062%); highest among the groups gnomAD compares: Non-Finnish European, 0.000085%; no homozygotes.

Submission:

Labcorp Genetics (formerly Invitae), Labcorp
Classification: Uncertain significance. Last evaluated: 2022-07-22. Review status: criteria provided, single submitter. Criteria: Invitae Variant Classification Sherloc (09022015). Collection method: clinical testing. Allele origin: germline.
Comment: This sequence change replaces isoleucine, which is neutral and non-polar, with asparagine, which is neutral and polar, at codon 1121 of the CDH23 protein (p.Ile1121Asn). This variant is not present in population databases (gnomAD no frequency). This variant has not been reported in the literature in individuals affected with CDH23-related conditions. Algorithms developed to predict the effect of missense changes on protein structure and function are either unavailable or do not agree on the potential impact of this missense change (SIFT: "Deleterious"; PolyPhen-2: "Not Available"; Align-GVGD: "Class C65"). In summary, the available evidence is currently insufficient to determine the role of this variant in disease. Therefore, it has been classified as a Variant of Uncertain Significance.

NM_022124.6(CDH23):c.3362T>A (p.Ile1121Asn)

Genes: C10orf105 (chromosome 10 open reading frame 105; minus strand), CDH23 (cadherin related 23; plus strand). Cytogenetic location: 10q22.1.
Variant type: single nucleotide variant.
Coding change: c.3362T>A on transcript NM_022124.6 (MANE Select); coding-DNA position 3362, T replaced by A.
Protein change: p.Ile1121Asn; replaces isoleucine 1121 with asparagine.
Molecular consequence: missense variant. On other transcripts: 3 prime UTR variant (2).
Genome position (GRCh38, 1-based): chr10:71,712,806, T>A. VCF-style: chr10-71712806-T-A. GRCh37 (hg19) VCF-style: chr10-73472563-T-A.
Other names: c.*3130A>T (NM_001164375.3, NM_001168390.2); c.3362T>A, p.Ile1121Asn (NM_001171930.2); short protein forms I1121N.
Identifiers: ClinVar variation 1722214 (VCV001722214.5), dbSNP rs2494093134, ClinGen allele CA377145051.